The following is an entry in ClinVar:

NM_000059.4(BRCA2):c.8824G>T (p.Ala2942Ser)

Gene: BRCA2 (BRCA2 DNA repair associated; plus strand). Cytogenetic location: 13q13.1.
Variant type: single nucleotide variant.
Coding change: c.8824G>T on transcript NM_000059.4 (MANE Select); coding-DNA position 8824, G replaced by T.
Protein change: p.Ala2942Ser; replaces alanine 2942 with serine.
Molecular consequence: missense variant.
Genome position (GRCh38, 1-based): chr13:32,379,386, G>T. VCF-style: chr13-32379386-G-T. GRCh37 (hg19) VCF-style: chr13-32953523-G-T.
Other names: short protein forms A2942S.
Identifiers: ClinVar variation 581717 (VCV000581717.9), dbSNP rs80359139, ClinGen allele CA387756137.

ClinVar aggregate classification (germline): Uncertain significance (1 of 4 stars; one submission).

Conditions:
Hereditary breast ovarian cancer syndrome. Also called: Hereditary breast and ovarian cancer syndrome; Hereditary breast and/or ovarian cancer syndrome; Hereditary breast and ovarian cancer syndrome (HBOC); Breast and ovarian cancer; BRCA1- and BRCA2-Associated Hereditary Breast and Ovarian Cancer; Hereditary breast and ovarian cancer. Identifiers: Orphanet 145, MedGen C0677776, MeSH D061325, MONDO:0003582. Disease mechanism: loss of function.

Submission:

Labcorp Genetics (formerly Invitae), Labcorp
Classification: Uncertain significance for Hereditary breast ovarian cancer syndrome. Last evaluated: 2024-05-21. Review status: criteria provided, single submitter. Criteria: Invitae Variant Classification Sherloc (09022015). Collection method: clinical testing. Allele origin: germline.
Comment: This sequence change replaces alanine, which is neutral and non-polar, with serine, which is neutral and polar, at codon 2942 of the BRCA2 protein (p.Ala2942Ser). This variant is not present in population databases (gnomAD no frequency). This variant has not been reported in the literature in individuals affected with BRCA2-related conditions. ClinVar contains an entry for this variant (Variation ID: 581717). Advanced modeling of protein sequence and biophysical properties (such as structural, functional, and spatial information, amino acid conservation, physicochemical variation, residue mobility, and thermodynamic stability) performed at Invitae indicates that this missense variant is not expected to disrupt BRCA2 protein function with a negative predictive value of 95%. In summary, the available evidence is currently insufficient to determine the role of this variant in disease. Therefore, it has been classified as a Variant of Uncertain Significance.